The following is an entry in ClinVar:

ClinVar aggregate classification (germline): Conflicting classifications of pathogenicity. Review status: criteria provided, conflicting classifications (1 of 4 stars). 10 submissions from 10 submitters: Uncertain significance (5); Benign (2); Likely benign (2). 1 of the submissions does not count toward it. Last evaluated 2026-06-01.

Conditions:
Inborn genetic diseases. Identifiers: MedGen C0950123, MeSH D030342.
Glycogen storage disease type III (GSD3). Also called: Cori disease; FORBES DISEASE. Identifiers: Orphanet 366, MedGen C0017922, MONDO:0009291, OMIM 232400.

Allele frequency attached by ClinVar (database versions not stated): 1000 Genomes Project 0.00040; ESP Exome Variant Server 0.00046; 1000 Genomes Project 30x 0.00047; ExAC 0.00049; gnomAD 0.00050 and 0.00053; gnomAD exomes 0.00056 and 0.00071; TOPMed 0.00057.
gnomAD v4.1: 1,117 of 1,613,890 alleles (0.069%); highest among the groups gnomAD compares: Admixed American, 0.14%; 5 homozygotes.

Submissions (10):

CeGaT Center for Human Genetics Tuebingen
Classification: Likely benign. Last evaluated: 2026-06-01. Review status: criteria provided, single submitter. Criteria: CeGaT Center For Human Genetics Tuebingen Variant Classification Criteria Version 2. Collection method: clinical testing. Allele origin: germline. Affected: yes. Observed: 2 variant alleles.
Comment: AGL: PP3, BS2

Labcorp Genetics (formerly Invitae), Labcorp
Classification: Benign for Glycogen storage disease type III. Last evaluated: 2026-01-27. Review status: criteria provided, single submitter. Criteria: Invitae Variant Classification Sherloc (09022015). Collection method: clinical testing. Allele origin: germline.

Blueprint Genetics
Classification: Likely benign. Last evaluated: 2024-11-19. Review status: criteria provided, single submitter. Criteria: ACMG Guidelines, 2015. Collection method: clinical testing. Allele origin: germline.

Mayo Clinic Laboratories, Mayo Clinic
Classification: Benign. Last evaluated: 2024-10-17. Review status: criteria provided, single submitter. Criteria: ACMG Guidelines, 2015. Collection method: clinical testing. Allele origin: germline. Observed: 3 variant alleles.
Comment: BS1, BS2

Ambry Genetics
Classification: Uncertain significance for Inborn genetic diseases. Last evaluated: 2022-09-05. Review status: criteria provided, single submitter. Criteria: Ambry Variant Classification Scheme 2023. Collection method: clinical testing. Allele origin: germline.

Genome-Nilou Lab
Classification: Uncertain significance for Glycogen storage disease type III. Last evaluated: 2021-07-15. Review status: criteria provided, single submitter. Criteria: ACMG Guidelines, 2015. Collection method: clinical testing. Allele origin: germline. Affected: no.

GeneDx
Classification: Uncertain significance. Last evaluated: 2021-03-18. Review status: criteria provided, single submitter. Criteria: GeneDx Variant Classification Process June 2021. Collection method: clinical testing. Allele origin: germline. Affected: yes.
Comment: In silico analysis supports that this missense variant has a deleterious effect on protein structure/function; Has not been previously published as pathogenic or benign to our knowledge

ARUP Laboratories, Molecular Genetics and Genomics, ARUP Laboratories
Classification: Uncertain significance. Last evaluated: 2020-02-03. Review status: criteria provided, single submitter. Criteria: ARUP Molecular Germline Variant Investigation Process. Collection method: clinical testing. Allele origin: germline.
Comment: The p.His587Tyr variant (rs139488862) has not been reported in the medical literature; however, it is listed in the ClinVar database as a variant of uncertain significance (Variation ID: 291333). It is listed in the NHLBI GO Exome Sequencing Project (ESP) with an overall allele frequency of 0.05% (identified in 6 out of 13,006 chromosomes), and in the Exome Aggregation Consortium (ExAC) browser with an overall frequency of 0.05% (identified in 59 out of 121,372 chromosomes). The histidine at codon 587 is moderately conserved considering 12 species (Alamut software v2.8.1), and computational analyses suggest this variant has a significant effect on AGL protein structure/function (SIFT: damaging, PolyPhen2: probably damaging, and Mutation Taster: disease causing). However, based on the available information, the clinical significance of the p.His587Tyr variant cannot be determined with certainty.

Illumina Laboratory Services, Illumina
Classification: Uncertain significance for Glycogen storage disease type III. Last evaluated: 2018-01-13. Review status: criteria provided, single submitter. Criteria: ICSL Variant Classification Criteria 13 December 2019. Collection method: clinical testing. Allele origin: germline.

Natera, Inc.
Classification: Likely benign for Glycogen storage disease type III. Last evaluated: 2019-11-22. Review status: no assertion criteria provided. Collection method: clinical testing. Allele origin: germline. Not counted in ClinVar's aggregate classification.

NM_000642.3(AGL):c.1759C>T (p.His587Tyr)

Gene: AGL (amylo-alpha-1,6-glucosidase and 4-alpha-glucanotransferase; plus strand). Cytogenetic location: 1p21.2.
Variant type: single nucleotide variant.
Coding change: c.1759C>T on transcript NM_000642.3 (MANE Select); coding-DNA position 1759, C replaced by T.
Protein change: p.His587Tyr; replaces histidine 587 with tyrosine.
Molecular consequence: missense variant.
Genome position (GRCh38, 1-based): chr1:99,880,655, C>T. VCF-style: chr1-99880655-C-T. GRCh37 (hg19) VCF-style: chr1-100346211-C-T.
Other names: p.His587Tyr; c.1759C>T, p.His587Tyr (NM_000028.3, NM_000643.3, NM_000644.3 and 2 more transcripts); c.1711C>T, p.His571Tyr (NM_000646.3); c.1558C>T, p.His520Tyr (NM_001425327.1); c.1555C>T, p.His519Tyr (NM_001425328.1, NM_001425329.1); c.1381C>T, p.His461Tyr (NM_001425332.1); short protein forms H587Y, H571Y, H461Y, H519Y, H520Y.
Identifiers: ClinVar variation 291333 (VCV000291333.66), dbSNP rs139488862, ClinGen allele CA966587.
Genomic context (GRCh38, chr1:99,880,655, plus strand): 5'-AATGAAGATTGTTAAAATATTCTGTAATGCTCTGCAGAGGCAATGAGTGCATATAATAGT[C>T]ATGAAGAGGGCAGATTAGTTTACCGATATGGAGGAGAACCTGTTGGATCCTTTGTTCAGC-3'
Protein context (NP_000633.2, residues 577-597): IREAMSAYNS[His587Tyr]EEGRLVYRYG